The following is an entry in ClinVar:

NM_000179.3(MSH6):c.904A>T (p.Arg302Ter)

Gene: MSH6 (mutS homolog 6; plus strand). Cytogenetic location: 2p16.3.
Variant type: single nucleotide variant.
Coding change: c.904A>T on transcript NM_000179.3 (MANE Select); coding-DNA position 904, A replaced by T.
Protein change: p.Arg302Ter; replaces arginine 302 with a stop codon.
Molecular consequence: nonsense. On other transcripts: 5 prime UTR variant (2).
Genome position (GRCh38, 1-based): chr2:47,798,887, A>T. VCF-style: chr2-47798887-A-T. GRCh37 (hg19) VCF-style: chr2-48026026-A-T.
Other names: c.514A>T, p.Arg172Ter (NM_001281492.2); c.-3A>T (NM_001281493.2, NM_001281494.2, NM_001406811.1 and 6 more transcripts); c.1000A>T, p.Arg334Ter (NM_001406795.1, NM_001406802.1); c.904A>T, p.Arg302Ter (NM_001406796.1, NM_001406798.1, NM_001406800.1 and 4 more transcripts); c.607A>T, p.Arg203Ter (NM_001406797.1, NM_001406801.1, NM_001406805.1 and 10 more transcripts); c.379A>T, p.Arg127Ter (NM_001406799.1, NM_001406806.1, NM_001406807.1); c.826A>T, p.Arg276Ter (NM_001406804.1); c.910A>T, p.Arg304Ter (NM_001406813.1); and 1 more; short protein forms R127*, R172*, R304*, R276*, R334*, R203*, R246*, R302*.
Identifiers: ClinVar variation 1765591 (VCV001765591.2), dbSNP rs1572720807, ClinGen allele CA346740707.

ClinVar aggregate classification (germline): Pathogenic (1 of 4 stars; one submission).

Conditions:
Hereditary cancer-predisposing syndrome. Also called: Neoplastic Syndromes, Hereditary; Tumor predisposition; Hereditary Cancer Syndrome; Hereditary neoplastic syndrome. Identifiers: Orphanet 140162, MedGen C0027672, MeSH D009386, MONDO:0015356.

Submission:

Ambry Genetics
Classification: Pathogenic for Hereditary cancer-predisposing syndrome. Last evaluated: 2020-10-26. Review status: criteria provided, single submitter. Criteria: Ambry Variant Classification Scheme 2023. Collection method: clinical testing. Allele origin: germline.
Comment: The p.R302* pathogenic mutation (also known as c.904A>T), located in coding exon 4 of the MSH6 gene, results from an A to T substitution at nucleotide position 904. This changes the amino acid from an arginine to a stop codon within coding exon 4. This alteration is expected to result in loss of function by premature protein truncation or nonsense-mediated mRNA decay. As such, this alteration is interpreted as a disease-causing mutation.